The following is an entry in ClinVar:

ClinVar aggregate classification (germline): Conflicting classifications of pathogenicity. Review status: criteria provided, conflicting classifications (1 of 4 stars). 4 submissions from 4 submitters: Uncertain significance (3); Likely benign (1). Last evaluated 2025-12-14.

Conditions:
Jeune thoracic dystrophy. Also called: Jeune syndrome; Infantile thoracic dystrophy; Thoracic pelvic phalangeal dystrophy; Jeune's syndrome; Chondroectodermal dysplasia-like syndrome; Short-rib thoracic dysplasia. Identifiers: Orphanet 474, MedGen C0265275, MONDO:0018770.
Inborn genetic diseases. Identifiers: MedGen C0950123, MeSH D030342.
Asphyxiating thoracic dystrophy 2 (SRTD2). Also called: SHORT-RIB THORACIC DYSPLASIA 2 WITH OR WITHOUT POLYDACTYLY; SHORT-RIB THORACIC DYSPLASIA 2 WITH POLYDACTYLY; SHORT-RIB THORACIC DYSPLASIA 2 WITHOUT POLYDACTYLY. Identifiers: Orphanet 474, MedGen C1970005, MONDO:0012644, OMIM 611263.

Allele frequency attached by ClinVar (database versions not stated): TOPMed 0.00009; gnomAD 0.00010 and 0.00011; ExAC 0.00015; gnomAD exomes 0.00018; ESP Exome Variant Server 0.00023.
gnomAD v4.1: 130 of 1,613,080 alleles (0.0081%); highest among the groups gnomAD compares: Middle Eastern, 0.049%; no homozygotes.

Submissions (4):

Labcorp Genetics (formerly Invitae), Labcorp
Classification: Likely benign for Jeune thoracic dystrophy. Last evaluated: 2025-12-14. Review status: criteria provided, single submitter. Criteria: Invitae Variant Classification Sherloc (09022015). Collection method: clinical testing. Allele origin: germline.

Ambry Genetics
Classification: Uncertain significance for Inborn genetic diseases. Last evaluated: 2022-09-27. Review status: criteria provided, single submitter. Criteria: Ambry Variant Classification Scheme 2023. Collection method: clinical testing. Allele origin: germline.

ARUP Laboratories, Molecular Genetics and Genomics, ARUP Laboratories
Classification: Uncertain significance for Asphyxiating thoracic dystrophy 2. Last evaluated: 2019-02-06. Review status: criteria provided, single submitter. Criteria: ARUP Molecular Germline Variant Investigation Process. Collection method: clinical testing. Allele origin: germline.
Comment: The IFT80 c.1678A>G; p.Asn560Asp variant (rs202145480), to our knowledge, has not been described in the medical literature but is listed as a variant of unknown significance in ClinVar (Variation ID: 343967). It is observed at an overall frequency of 0.016% (46/282116 alleles) with increased frequency in the Ashkenazi Jewish population (0.35%) in the Genome Aggregation Database. The asparagine at codon 560 is moderately conserved, and computational algorithms (PolyPhen-2, SIFT) predict that this variant is tolerated. However, due to the lack of clinical and functional data regarding this variant, its clinical significance cannot be determined with certainty.

Illumina Laboratory Services, Illumina
Classification: Uncertain significance for Asphyxiating thoracic dystrophy 2. Last evaluated: 2018-01-13. Review status: criteria provided, single submitter. Criteria: ICSL Variant Classification Criteria 13 December 2019. Collection method: clinical testing. Allele origin: germline.

NM_020800.3(IFT80):c.1678A>G (p.Asn560Asp)

Genes: IFT80 (intraflagellar transport 80; minus strand), TRIM59-IFT80 (TRIM59-IFT80 readthrough (NMD candidate); minus strand). Cytogenetic location: 3q25.33.
Variant type: single nucleotide variant.
Coding change: c.1678A>G on transcript NM_020800.3 (MANE Select); coding-DNA position 1678, A replaced by G.
Protein change: p.Asn560Asp; replaces asparagine 560 with aspartic acid.
Molecular consequence: missense variant. On other transcripts: non-coding transcript variant (3).
Genome position (GRCh38, 1-based): chr3:160,279,351, T>C on the plus strand (A>G on the coding strand, the complement: IFT80 is on the minus strand). VCF-style: chr3-160279351-T-C. GRCh37 (hg19) VCF-style: chr3-159997139-T-C.
Other names: c.1267A>G, p.Asn423Asp (NM_001190241.2, NM_001190242.2); short protein forms N560D, N423D.
Identifiers: ClinVar variation 343967 (VCV000343967.23), dbSNP rs202145480, ClinGen allele CA2685070.